The following is an entry in ClinVar:

NM_001164508.2(NEB):c.6678del (p.Lys2226fs)

Gene: NEB (nebulin; minus strand). Cytogenetic location: 2q23.3.
Variant type: Deletion.
Coding change: c.6678del on transcript NM_001164508.2 (MANE Select); coding-DNA position 6678, one base deleted (G; older notation c.6678delG).
Protein change: p.Lys2226fs; shifts the reading frame from lysine 2226.
Molecular consequence: frameshift variant.
Genome position (GRCh38, 1-based): chr2:151,655,841, C deleted on the plus strand (G on the coding strand, the reverse complement: NEB is on the minus strand). VCF-style (leftmost placement, unchanged base first): chr2-151655840-GC-G. GRCh37 (hg19) VCF-style: chr2-152512354-GC-G.
Other names: NM_001164508.2:c.6678del; c.6678del, p.Lys2226fs (NM_001164507.2, NM_001271208.2, NM_004543.5); short protein forms K2226fs.
Identifiers: ClinVar variation 3776985 (VCV003776985.1).

ClinVar aggregate classification (germline): Pathogenic (1 of 4 stars; one submission).

Conditions:
Nemaline myopathy. Also called: Myopathies, Nemaline. Identifiers: Orphanet 607, MedGen C0206157, MONDO:0018958.

Submission:

Broad Center for Mendelian Genomics, Broad Institute of MIT and Harvard
Classification: Pathogenic for Nemaline myopathy. Last evaluated: 2025-03-18. Review status: criteria provided, single submitter. Criteria: ACMG Guidelines, 2015. Collection method: curation. Allele origin: germline. Inheritance: Autosomal recessive inheritance.
Comment: The p.Lys2226AsnfsTer7 variant in NEB has been reported, in the compound heterozygous state, in one individual with nemaline myopathy (PMID: 25205138), and has been identified in 0.009% (6/64014) of European (Finnish) chromosomes by the Genome Aggregation Database (gnomAD; dbSNP ID: rs570638656). Although this variant has been seen in the general population in a heterozygous state, its frequency is low enough to be consistent with a recessive carrier frequency. This variant is predicted to cause a frameshift, which alters the protein‚Äôs amino acid sequence beginning at position 2226 and leads to a premature termination codon 7 amino acids downstream. This alteration is then predicted to lead to a truncated or absent protein. Loss of function of the NEB gene is an established disease mechanism in autosomal recessive nemaline myopathy. In summary, this variant meets criteria to be classified as pathogenic for autosomal recessive nemaline myopathy. ACMG/AMP Criteria applied: PVS1, PM3_supporting, PM2_supporting (Richards 2015).